The following is an entry in ClinVar:

NM_002474.3(MYH11):c.4846G>C (p.Ala1616Pro)

Genes: NDE1 (nudE neurodevelopment protein 1; plus strand), MYH11 (myosin heavy chain 11; minus strand). Cytogenetic location: 16p13.11.
Variant type: single nucleotide variant.
Coding change: c.4846G>C on transcript NM_002474.3 (MANE Select); coding-DNA position 4846, G replaced by C.
Protein change: p.Ala1616Pro; replaces alanine 1616 with proline.
Molecular consequence: missense variant. On other transcripts: intron variant (2).
Genome position (GRCh38, 1-based): chr16:15,720,258, C>G on the plus strand (G>C on the coding strand, the complement: MYH11 is on the minus strand). VCF-style: chr16-15720258-C-G. GRCh37 (hg19) VCF-style: chr16-15814115-C-G.
Other names: c.4846G>C (NM_002474.2); c.4867G>C, p.Ala1623Pro (NM_001040113.2, NM_001040114.2); c.4846G>C, p.Ala1616Pro (NM_022844.3); c.948-3933C>G (NM_001143979.2, NM_017668.3); short protein forms A1616P, A1623P.
Identifiers: ClinVar variation 2153390 (VCV002153390.6), dbSNP rs1219815903, ClinGen allele CA394852622.
Genomic context (GRCh38, chr16:15,720,258, plus strand): 5'-CAGAGTCGGCCTGAAGCTCCAGGTCTTTCAGGTCCCCTTCCAGCTTCTTCTTTGCTGCAG[C>G]TGCCAGGGCACGTTGCTTTCGCTCGTCTTCCAGTTCCGTCTCATACTCGTGAAGCTGGGC-3'
Protein context (NP_002465.1, residues 1606-1626): EDERKQRALA[Ala1616Pro]AAKKKLEGDL

ClinVar aggregate classification (germline): Uncertain significance. Review status: criteria provided, multiple submitters, no conflicts (2 of 4 stars). 4 submissions from 4 submitters: Uncertain significance (4). Last evaluated 2025-12-08.

Conditions:
Familial thoracic aortic aneurysm and aortic dissection (TAAD). Also called: Thoracic aortic aneurysms and dissections. Identifiers: Orphanet 91387, MedGen C4707243, MONDO:0019625.
Aortic aneurysm, familial thoracic 4 (AAT4). Also called: AORTIC ANEURYSM/AORTIC DISSECTION AND PATENT DUCTUS ARTERIOSUS. Identifiers: MedGen C1851504, MONDO:0007568, OMIM 132900.

Allele frequency attached by ClinVar (database versions not stated): TOPMed below 0.00001.
gnomAD v4.1: 7 of 1,614,156 alleles (0.00043%); highest among the groups gnomAD compares: Non-Finnish European, 0.00059%; no homozygotes.

Submissions (4):

Labcorp Genetics (formerly Invitae), Labcorp
Classification: Uncertain significance for Aortic aneurysm, familial thoracic 4. Last evaluated: 2025-12-08. Review status: criteria provided, single submitter. Criteria: Invitae Variant Classification Sherloc (09022015). Collection method: clinical testing. Allele origin: germline.
Comment: This sequence change replaces alanine, which is neutral and non-polar, with proline, which is neutral and non-polar, at codon 1623 of the MYH11 protein (p.Ala1623Pro). This variant is not present in population databases (gnomAD no frequency). This variant has not been reported in the literature in individuals affected with MYH11-related conditions. ClinVar contains an entry for this variant (Variation ID: 2153390). Invitae Evidence Modeling of protein sequence and biophysical properties (such as structural, functional, and spatial information, amino acid conservation, physicochemical variation, residue mobility, and thermodynamic stability) indicates that this missense variant is not expected to disrupt MYH11 protein function with a negative predictive value of 95%. In summary, the available evidence is currently insufficient to determine the role of this variant in disease. Therefore, it has been classified as a Variant of Uncertain Significance.

GeneDx
Classification: Uncertain significance. Last evaluated: 2025-05-15. Review status: criteria provided, single submitter. Criteria: GeneDx Variant Classification Process June 2021. Collection method: clinical testing. Allele origin: germline. Affected: yes.
Comment: Not observed at significant frequency in large population cohorts (gnomAD); In silico analysis suggests that this missense variant does not alter protein structure/function; Has not been previously published as pathogenic or benign to our knowledge

All of Us Research Program, National Institutes of Health
Classification: Uncertain significance for Familial thoracic aortic aneurysm and aortic dissection. Last evaluated: 2023-06-26. Review status: criteria provided, single submitter. Criteria: ACMG Guidelines, 2015. Collection method: clinical testing. Allele origin: germline. Inheritance: Autosomal dominant inheritance. Observed: 1 variant allele, 1 heterozygote.
Comment: This missense variant replaces alanine with proline at codon 1623 of the MYH11 protein. Computational prediction suggests that this variant may not impact protein structure and function (internally defined REVEL score threshold <= 0.5, PMID: 27666373). To our knowledge, functional studies have not been reported for this variant. This variant has not been reported in individuals affected with MYH11-related disorders in the literature. This variant has not been identified in the general population by the Genome Aggregation Database (gnomAD). The available evidence is insufficient to determine the role of this variant in disease conclusively. Therefore, this variant is classified as a Variant of Uncertain Significance.

This study involves interpretation of variants in research participants for the purpose of population health screening. Participant phenotype was not available at the time of variant classification. Additional details can be found in publication PMID: 35346344, PMCID: PMC8962531

Color Diagnostics, LLC DBA Color Health
Classification: Uncertain significance for Familial thoracic aortic aneurysm and aortic dissection. Last evaluated: 2023-05-31. Review status: criteria provided, single submitter. Criteria: ACMG Guidelines, 2015. Collection method: clinical testing. Allele origin: germline.
Comment: This missense variant replaces alanine with proline at codon 1623 of the MYH11 protein. Computational prediction suggests that this variant may not impact protein structure and function (internally defined REVEL score threshold <= 0.5, PMID: 27666373). To our knowledge, functional studies have not been reported for this variant. This variant has not been reported in individuals affected with MYH11-related disorders in the literature. This variant has not been identified in the general population by the Genome Aggregation Database (gnomAD). The available evidence is insufficient to determine the role of this variant in disease conclusively. Therefore, this variant is classified as a Variant of Uncertain Significance.